The following is an entry in ClinVar:

ClinVar aggregate classification (germline): Pathogenic (1 of 4 stars; one submission).

Conditions:
Inborn genetic diseases. Identifiers: MedGen C0950123, MeSH D030342.

Submission:

Ambry Genetics
Classification: Pathogenic for Inborn genetic diseases. Last evaluated: 2022-02-28. Review status: criteria provided, single submitter. Criteria: Ambry Variant Classification Scheme 2023. Collection method: clinical testing. Allele origin: germline.
Comment: The c.4771_4774delAATG (p.N1591Efs*7) alteration, located in exon 11 (coding exon 10) of the KNL1 gene, consists of a deletion of 4 nucleotides from position 4771 to 4774, causing a translational frameshift with a predicted alternate stop codon after 7 amino acids. This alteration is expected to result in loss of function by premature protein truncation or nonsense-mediated mRNA decay. This variant was not reported in population-based cohorts in the Genome Aggregation Database (gnomAD). Based on the available evidence, this alteration is classified as pathogenic.

NM_144508.5(KNL1):c.4693_4696del (p.Asn1565fs)

Gene: KNL1 (kinetochore scaffold 1; plus strand). Cytogenetic location: 15q15.1.
Variant type: Deletion.
Coding change: c.4693_4696del on transcript NM_144508.5 (MANE Select); coding-DNA positions 4693 to 4696, 4 bases deleted (AATG; older notation c.4693_4696delAATG).
Protein change: p.Asn1565fs; shifts the reading frame from asparagine 1565.
Molecular consequence: frameshift variant.
Genome position (GRCh38, 1-based): chr15:40,624,957-40,624,960, AATG deleted; deleting any 4 consecutive bases within chr15:40,624,955-40,624,960 gives the same sequence; the c. name uses the placement nearest the transcript's 3' end. VCF-style (leftmost placement, unchanged base first): chr15-40624954-TTGAA-T. GRCh37 (hg19) VCF-style: chr15-40917152-TTGAA-T.
Other names: c.4771_4774del, p.Asn1591fs (NM_170589.5); short protein forms N1565fs, N1591fs.
Identifiers: ClinVar variation 2273066 (VCV002273066.2), dbSNP rs2504282342, ClinGen allele CA2580089364.